The following is an entry in ClinVar:

ClinVar aggregate classification (germline): Uncertain significance (1 of 4 stars; one submission).

gnomAD v4.1: 1 of 1,614,168 alleles (0.000062%); highest among the groups gnomAD compares: Non-Finnish European, 0.000085%; no homozygotes.

Submission:

Labcorp Genetics (formerly Invitae), Labcorp
Classification: Uncertain significance. Last evaluated: 2025-11-03. Review status: criteria provided, single submitter. Criteria: Invitae Variant Classification Sherloc (09022015). Collection method: clinical testing. Allele origin: germline.
Comment: This sequence change replaces alanine, which is neutral and non-polar, with glycine, which is neutral and non-polar, at codon 694 of the ALPK3 protein (p.Ala694Gly). This variant is not present in population databases (gnomAD no frequency). This variant has not been reported in the literature in individuals affected with ALPK3-related conditions. Invitae Evidence Modeling of protein sequence and biophysical properties (such as structural, functional, and spatial information, amino acid conservation, physicochemical variation, residue mobility, and thermodynamic stability) indicates that this missense variant is not expected to disrupt ALPK3 protein function with a negative predictive value of 80%. In summary, the available evidence is currently insufficient to determine the role of this variant in disease. Therefore, it has been classified as a Variant of Uncertain Significance.

NM_020778.5(ALPK3):c.1475C>G (p.Ala492Gly)

Gene: ALPK3 (alpha kinase 3; plus strand). Cytogenetic location: 15q25.3.
Variant type: single nucleotide variant.
Coding change: c.1475C>G on transcript NM_020778.5 (MANE Select); coding-DNA position 1475, C replaced by G.
Protein change: p.Ala492Gly; replaces alanine 492 with glycine.
Molecular consequence: missense variant.
Genome position (GRCh38, 1-based): chr15:84,840,754, C>G. VCF-style: chr15-84840754-C-G. GRCh37 (hg19) VCF-style: chr15-85383985-C-G.
Other names: short protein forms A492G.
Identifiers: ClinVar variation 4744163 (VCV004744163.1).